The following is an entry in ClinVar:

NM_001367561.1(DOCK7):c.6381-6dup

Gene: DOCK7 (dedicator of cytokinesis 7; minus strand). Cytogenetic location: 1p31.3.
Variant type: Duplication.
Coding change: c.6381-6dup on transcript NM_001367561.1 (MANE Select); 6 bases into the intron before coding-DNA position 6381, one base duplicated (T; older notation c.6381-6dupT).
Molecular consequence: intron variant.
Genome position (GRCh38, 1-based): chr1:62,455,462, A duplicated on the plus strand (T on the coding strand, the reverse complement: DOCK7 is on the minus strand); the first of 7 consecutive A bases (chr1:62,455,462-62,455,468); duplicating any one gives the same sequence. VCF-style (leftmost placement, unchanged base first): chr1-62455461-G-GA. GRCh37 (hg19) VCF-style: chr1-62921132-G-GA.
Other names: c.6348-6dupT (NM_001271999.1); c.6255-6dup (NM_001272001.2); c.6261-6dup (NM_001272000.2); c.6288-6dup (NM_033407.4); c.6348-6dup (NM_001271999.2); c.6354-6dup (NM_001330614.2).
Identifiers: ClinVar variation 475168 (VCV000475168.46), dbSNP rs773882812, ClinGen allele CA885207.
Genomic context (GRCh38, chr1:62,455,461, plus strand): 5'-AAGTGCATTCAGTTTAGAGATCCATTTTGCGAAGGCTCATTCGACTGAAGGAATCTCTGG[G>GA]AAAAAAATGAGAGGACATAGTTAGTTAAAGAGAACAATTTTTGCATATACCTTTAAATGT-3'

ClinVar aggregate classification (germline): Benign/Likely benign. Review status: criteria provided, multiple submitters, no conflicts (2 of 4 stars). 4 submissions from 4 submitters: Benign (1); Likely benign (2). 1 of the submissions does not count toward it. Last evaluated 2025-11-25.

Conditions:
Developmental and epileptic encephalopathy, 23 (DEE23). Also called: Epileptic encephalopathy, early infantile, 23. Identifiers: Orphanet 411986, MedGen C4014492, MONDO:0014371, OMIM 615859.
DOCK7-related disorder. Also called: DOCK7-related condition.

Submissions (4):

Labcorp Genetics (formerly Invitae), Labcorp
Classification: Benign for Developmental and epileptic encephalopathy, 23. Last evaluated: 2025-11-25. Review status: criteria provided, single submitter. Criteria: Invitae Variant Classification Sherloc (09022015). Collection method: clinical testing. Allele origin: germline.

Genome-Nilou Lab
Classification: Likely benign for Developmental and epileptic encephalopathy, 23. Last evaluated: 2023-04-11. Review status: criteria provided, single submitter. Criteria: ACMG Guidelines, 2015. Collection method: clinical testing. Allele origin: germline. Affected: no.

CeGaT Center for Human Genetics Tuebingen
Classification: Likely benign. Last evaluated: 2021-09-01. Review status: criteria provided, single submitter. Criteria: CeGaT Center For Human Genetics Tuebingen Variant Classification Criteria Version 2. Collection method: clinical testing. Allele origin: germline. Affected: yes. Observed: 1 variant allele.

PreventionGenetics, part of Exact Sciences
Classification: Likely benign for DOCK7-related condition. Last evaluated: 2019-08-28. Review status: no assertion criteria provided. Collection method: clinical testing. Allele origin: germline. Not counted in ClinVar's aggregate classification.
Comment: This variant is classified as likely benign based on ACMG/AMP sequence variant interpretation guidelines (Richards et al. 2015 PMID: 25741868, with internal and published modifications).